The following is an entry in ClinVar:

ClinVar aggregate classification (germline): Uncertain significance. Review status: criteria provided, multiple submitters, no conflicts (2 of 4 stars). 2 submissions from 2 submitters: Uncertain significance (2). Last evaluated 2025-04-03.

Allele frequency attached by ClinVar (database versions not stated): gnomAD exomes 0.00002; gnomAD 0.00005; ESP Exome Variant Server 0.00008.
gnomAD v4.1: 37 of 1,551,366 alleles (0.0024%); highest among the groups gnomAD compares: Admixed American, 0.051%; no homozygotes.

Submissions (2):

Ambry Genetics
Classification: Uncertain significance. Last evaluated: 2025-04-03. Review status: criteria provided, single submitter. Criteria: Ambry Variant Classification Scheme 2023. Collection method: clinical testing. Allele origin: germline.

Labcorp Genetics (formerly Invitae), Labcorp
Classification: Uncertain significance. Last evaluated: 2023-10-03. Review status: criteria provided, single submitter. Criteria: Invitae Variant Classification Sherloc (09022015). Collection method: clinical testing. Allele origin: germline.
Comment: This sequence change replaces glutamic acid, which is acidic and polar, with lysine, which is basic and polar, at codon 102 of the FBLN1 protein (p.Glu102Lys). This variant is present in population databases (rs138539092, gnomAD 0.06%), and has an allele count higher than expected for a pathogenic variant. This variant has not been reported in the literature in individuals affected with FBLN1-related conditions. ClinVar contains an entry for this variant (Variation ID: 2086084). An algorithm developed to predict the effect of missense changes on protein structure and function (PolyPhen-2) suggests that this variant is likely to be disruptive. In summary, the available evidence is currently insufficient to determine the role of this variant in disease. Therefore, it has been classified as a Variant of Uncertain Significance.

NM_006486.3(FBLN1):c.304G>A (p.Glu102Lys)

Gene: FBLN1 (fibulin 1; plus strand). Cytogenetic location: 22q13.31.
Variant type: single nucleotide variant.
Coding change: c.304G>A on transcript NM_006486.3 (MANE Select); coding-DNA position 304, G replaced by A.
Protein change: p.Glu102Lys; replaces glutamic acid 102 with lysine.
Molecular consequence: missense variant.
Genome position (GRCh38, 1-based): chr22:45,525,661, G>A. VCF-style: chr22-45525661-G-A. GRCh37 (hg19) VCF-style: chr22-45921541-G-A.
Other names: c.304G>A, p.Glu102Lys (NM_001996.4, NM_006485.4, NM_006487.3); c.304G>A (NM_006486.2); short protein forms E102K.
Identifiers: ClinVar variation 2086084 (VCV002086084.5), dbSNP rs138539092, ClinGen allele CA325045705.